The following is an entry in ClinVar:

ClinVar aggregate classification (germline): Uncertain significance. Review status: criteria provided, multiple submitters, no conflicts (2 of 4 stars). 2 submissions from 2 submitters: Uncertain significance (2). Last evaluated 2022-07-06.

Conditions:
Inborn genetic diseases. Identifiers: MedGen C0950123, MeSH D030342.
Pontocerebellar hypoplasia type 1A (PCH1A). Also called: PONTOCEREBELLAR HYPOPLASIA WITH ANTERIOR HORN CELL DISEASE; PONTOCEREBELLAR HYPOPLASIA WITH INFANTILE SPINAL MUSCULAR ATROPHY. Identifiers: Orphanet 2254, Orphanet 88616, MedGen C1843504, MONDO:0011866, OMIM 607596.

Allele frequency attached by ClinVar (database versions not stated): gnomAD exomes 0.00001; gnomAD 0.00003; TOPMed 0.00004; ESP Exome Variant Server 0.00008.
gnomAD v4.1: 15 of 1,613,256 alleles (0.00093%); highest among the groups gnomAD compares: African/African-American, 0.004%; no homozygotes.

Submissions (2):

Labcorp Genetics (formerly Invitae), Labcorp
Classification: Uncertain significance for Pontocerebellar hypoplasia type 1A. Last evaluated: 2022-07-06. Review status: criteria provided, single submitter. Criteria: Invitae Variant Classification Sherloc (09022015). Collection method: clinical testing. Allele origin: germline.
Comment: This sequence change replaces asparagine, which is neutral and polar, with serine, which is neutral and polar, at codon 77 of the VRK1 protein (p.Asn77Ser). This variant is not present in population databases (gnomAD no frequency). This variant has not been reported in the literature in individuals affected with VRK1-related conditions. Algorithms developed to predict the effect of missense changes on protein structure and function (SIFT, PolyPhen-2, Align-GVGD) all suggest that this variant is likely to be disruptive. In summary, the available evidence is currently insufficient to determine the role of this variant in disease. Therefore, it has been classified as a Variant of Uncertain Significance.

Ambry Genetics
Classification: Uncertain significance for Inborn genetic diseases. Last evaluated: 2020-10-22. Review status: criteria provided, single submitter. Criteria: Ambry Variant Classification Scheme 2023. Collection method: clinical testing. Allele origin: germline.
Comment: The p.N77S variant (also known as c.230A>G), located in coding exon 3 of the VRK1 gene, results from an A to G substitution at nucleotide position 230. The asparagine at codon 77 is replaced by serine, an amino acid with highly similar properties. This amino acid position is highly conserved in available vertebrate species. In addition, this alteration is predicted to be tolerated by in silico analysis. Since supporting evidence is limited at this time, the clinical significance of this alteration remains unclear.

NM_003384.3(VRK1):c.230A>G (p.Asn77Ser)

Gene: VRK1 (VRK serine/threonine kinase 1; plus strand). Cytogenetic location: 14q32.2.
Variant type: single nucleotide variant.
Coding change: c.230A>G on transcript NM_003384.3 (MANE Select); coding-DNA position 230, A replaced by G.
Protein change: p.Asn77Ser; replaces asparagine 77 with serine.
Molecular consequence: missense variant.
Genome position (GRCh38, 1-based): chr14:96,846,108, A>G. VCF-style: chr14-96846108-A-G. GRCh37 (hg19) VCF-style: chr14-97312445-A-G.
Other names: c.230A>G, p.Asn77Ser (NM_001411051.1, NM_001411053.1); short protein forms N77S.
Identifiers: ClinVar variation 1789401 (VCV001789401.4), dbSNP rs372142535, ClinGen allele CA266072297.